The following is an entry in ClinVar:

ClinVar aggregate classification (germline): Uncertain significance (1 of 4 stars; one submission).

Conditions:
COG4-congenital disorder of glycosylation. Also called: CONGENITAL DISORDER OF GLYCOSYLATION, TYPE IIj; CDG IIj; COG4-CDG. Identifiers: Orphanet 263501, MedGen C4303552, MONDO:0013281, OMIM 613489.

Allele frequency attached by ClinVar (database versions not stated): ExAC 0.00001; gnomAD exomes 0.00001.
gnomAD v4.1: 7 of 1,613,740 alleles (0.00043%); highest among the groups gnomAD compares: Non-Finnish European, 0.00051%; no homozygotes.

Submission:

Labcorp Genetics (formerly Invitae), Labcorp
Classification: Uncertain significance for COG4-congenital disorder of glycosylation. Last evaluated: 2024-12-02. Review status: criteria provided, single submitter. Criteria: Invitae Variant Classification Sherloc (09022015). Collection method: clinical testing. Allele origin: germline.
Comment: This sequence change replaces phenylalanine, which is neutral and non-polar, with valine, which is neutral and non-polar, at codon 104 of the COG4 protein (p.Phe104Val). This variant is present in population databases (rs777563203, gnomAD 0.003%). This variant has not been reported in the literature in individuals affected with COG4-related conditions. ClinVar contains an entry for this variant (Variation ID: 2776512). Invitae Evidence Modeling of protein sequence and biophysical properties (such as structural, functional, and spatial information, amino acid conservation, physicochemical variation, residue mobility, and thermodynamic stability) indicates that this missense variant is not expected to disrupt COG4 protein function with a negative predictive value of 80%. In summary, the available evidence is currently insufficient to determine the role of this variant in disease. Therefore, it has been classified as a Variant of Uncertain Significance.

NM_015386.3(COG4):c.310T>G (p.Phe104Val)

Gene: COG4 (component of oligomeric golgi complex 4; minus strand). Cytogenetic location: 16q22.1.
Variant type: single nucleotide variant.
Coding change: c.310T>G on transcript NM_015386.3 (MANE Select); coding-DNA position 310, T replaced by G.
Protein change: p.Phe104Val; replaces phenylalanine 104 with valine.
Molecular consequence: missense variant. On other transcripts: 5 prime UTR variant (1), non-coding transcript variant (1).
Genome position (GRCh38, 1-based): chr16:70,517,685, A>C on the plus strand (T>G on the coding strand, the complement: COG4 is on the minus strand). VCF-style: chr16-70517685-A-C. GRCh37 (hg19) VCF-style: chr16-70551588-A-C.
Other names: c.298T>G, p.Phe100Val (NM_001195139.2); c.-290T>G (NM_001365426.1); short protein forms F100V, F104V.
Identifiers: ClinVar variation 2776512 (VCV002776512.3), dbSNP rs777563203, ClinGen allele CA8144739.
Genomic context (GRCh38, chr16:70,517,685, plus strand): 5'-CCTTGGCCAGGTCAAGCTGACGAACTTTGCTGGACACATTCTCAGCCAGGTTGCAGGTAA[A>C]GGTGATCATTCCAGCCAGCTGCTTTGCATCTCCCTCAATCAGCTGCAGATTAGGACTGGA-3'
Protein context (NP_056201.2, residues 94-114): DAKQLAGMIT[Phe104Val]TCNLAENVSS